The following is an entry in ClinVar:

NM_031935.3(HMCN1):c.6727G>C (p.Gly2243Arg)

Gene: HMCN1 (hemicentin 1; plus strand). Cytogenetic location: 1q31.1.
Variant type: single nucleotide variant.
Coding change: c.6727G>C on transcript NM_031935.3 (MANE Select); coding-DNA position 6727, G replaced by C.
Protein change: p.Gly2243Arg; replaces glycine 2243 with arginine.
Molecular consequence: missense variant.
Genome position (GRCh38, 1-based): chr1:186,053,851, G>C. VCF-style: chr1-186053851-G-C. GRCh37 (hg19) VCF-style: chr1-186022983-G-C.
Other names: short protein forms G2243R.
Identifiers: ClinVar variation 2824108 (VCV002824108.3), dbSNP rs2102281445, ClinGen allele CA343901234.

ClinVar aggregate classification (germline): Uncertain significance (1 of 4 stars; one submission).

Submission:

Labcorp Genetics (formerly Invitae), Labcorp
Classification: Uncertain significance. Last evaluated: 2022-12-25. Review status: criteria provided, single submitter. Criteria: Invitae Variant Classification Sherloc (09022015). Collection method: clinical testing. Allele origin: germline.
Comment: This sequence change replaces glycine, which is neutral and non-polar, with arginine, which is basic and polar, at codon 2243 of the HMCN1 protein (p.Gly2243Arg). In summary, the available evidence is currently insufficient to determine the role of this variant in disease. Therefore, it has been classified as a Variant of Uncertain Significance. Algorithms developed to predict the effect of missense changes on protein structure and function are either unavailable or do not agree on the potential impact of this missense change (SIFT: "Deleterious"; PolyPhen-2: "Possibly Damaging"; Align-GVGD: "Class C15"). This variant has not been reported in the literature in individuals affected with HMCN1-related conditions. This variant is not present in population databases (gnomAD no frequency).